The following is an entry in ClinVar:

NM_001018005.2(TPM1):c.549T>C (p.Ala183=)

Gene: TPM1 (tropomyosin 1; plus strand). Cytogenetic location: 15q22.2.
Variant type: single nucleotide variant.
Coding change: c.549T>C on transcript NM_001018005.2 (MANE Select); coding-DNA position 549, T replaced by C.
Protein change: p.Ala183=; no amino-acid change (alanine 183 retained).
Molecular consequence: synonymous variant.
Genome position (GRCh38, 1-based): chr15:63,060,925, T>C. VCF-style: chr15-63060925-T-C. GRCh37 (hg19) VCF-style: chr15-63353124-T-C.
Other names: c.549T>C, p.Ala183= (NM_000366.6, NM_001018004.2, NM_001018006.2 and 6 more transcripts); c.441T>C, p.Ala147= (NM_001018008.2, NM_001301289.2, NM_001330344.2 and 5 more transcripts); c.675T>C, p.Ala225= (NM_001365778.1); c.549T>C (NM_001018020.1).
Identifiers: ClinVar variation 43425 (VCV000043425.22), dbSNP rs199476313, ClinGen allele CA018125.

ClinVar aggregate classification (germline): Likely benign. Review status: criteria provided, multiple submitters, no conflicts (2 of 4 stars). 6 submissions from 6 submitters: Likely benign (6). Last evaluated 2026-08-25.

Conditions:
TPM1-related disorder. Also called: TPM1-related condition.
Cardiovascular phenotype. Identifiers: MedGen CN230736.
Cardiomyopathy (CMYO). Also called: Cardiomyopathies. Identifiers: Orphanet 167848, MedGen C0878544, MONDO:0004994, HP:0001638. Inheritance: Various modes of inheritance.
Hypertrophic cardiomyopathy. Also called: HYPERTROPHIC MYOCARDIOPATHY. Identifiers: Orphanet 217569, MedGen C0007194, MeSH D002312, MONDO:0005045, HP:0001639.

Allele frequency attached by ClinVar (database versions not stated): gnomAD 0.00003; TOPMed 0.00004; 1000 Genomes Project 30x 0.00016; 1000 Genomes Project 0.00020; gnomAD exomes below 0.00001 and 0.00002; ExAC 0.00001.
gnomAD v4.1: 11 of 1,614,154 alleles (0.00068%); highest among the groups gnomAD compares: Middle Eastern, 0.016%; no homozygotes.

Submissions (6):

PreventionGenetics, part of Exact Sciences
Classification: Likely benign for TPM1-related condition. Last evaluated: 2026-08-25. Review status: criteria provided, single submitter. Criteria: ACMG Guidelines, 2015. Collection method: clinical testing. Allele origin: germline.
Comment: This variant is classified as likely benign based on ACMG/AMP sequence variant interpretation guidelines (Richards et al. 2015 PMID: 25741868, with internal and published modifications).

Labcorp Genetics (formerly Invitae), Labcorp
Classification: Likely benign for Hypertrophic cardiomyopathy. Last evaluated: 2025-12-12. Review status: criteria provided, single submitter. Criteria: Invitae Variant Classification Sherloc (09022015). Collection method: clinical testing. Allele origin: germline.

GeneDx
Classification: Likely benign. Last evaluated: 2021-03-05. Review status: criteria provided, single submitter. Criteria: GeneDx Variant Classification Process June 2021. Collection method: clinical testing. Allele origin: germline. Affected: yes.

Ambry Genetics
Classification: Likely benign for Cardiovascular phenotype. Last evaluated: 2021-02-09. Review status: criteria provided, single submitter. Criteria: Ambry Variant Classification Scheme 2023. Collection method: clinical testing. Allele origin: germline.

Color Diagnostics, LLC DBA Color Health
Classification: Likely benign for Cardiomyopathy. Last evaluated: 2019-12-09. Review status: criteria provided, single submitter. Criteria: ACMG Guidelines, 2015. Collection method: clinical testing. Allele origin: germline.

Laboratory for Molecular Medicine, Mass General Brigham Personalized Medicine
Classification: Likely benign. Last evaluated: 2008-03-01. Review status: criteria provided, single submitter. Criteria: LMM Criteria. Collection method: clinical testing. Allele origin: germline. Observed: 1 variant allele.